The following is an entry in ClinVar:

NM_006899.5(IDH3B):c.92C>T (p.Ala31Val)

Gene: IDH3B (isocitrate dehydrogenase (NAD(+)) 3 non-catalytic subunit beta; minus strand). Cytogenetic location: 20p13.
Variant type: single nucleotide variant.
Coding change: c.92C>T on transcript NM_006899.5 (MANE Select); coding-DNA position 92, C replaced by T.
Protein change: p.Ala31Val; replaces alanine 31 with valine.
Molecular consequence: missense variant. On other transcripts: non-coding transcript variant (1).
Genome position (GRCh38, 1-based): chr20:2,663,950, G>A on the plus strand (C>T on the coding strand, the complement: IDH3B is on the minus strand). VCF-style: chr20-2663950-G-A. GRCh37 (hg19) VCF-style: chr20-2644596-G-A.
Other names: c.92C>T, p.Ala31Val (NM_001258384.3, NM_001330763.2, NM_174855.4); short protein forms A31V.
Identifiers: ClinVar variation 2418000 (VCV002418000.5), dbSNP rs2514769411, ClinGen allele CA408040629.
Genomic context (GRCh38, chr20:2,663,950, plus strand): 5'-GTCGTAAGAGAGACCCCAGCCAGATTCGTGCATACCTGGCTCCGCGATGCAGCGTGCGCC[G>A]CGGCCGAGGTACTCAGACCTCTCCATGCCCCAGGGTTCCCGGCGGAGACCAGCGCCTGCA-3'
Protein context (NP_008830.2, residues 21-41): GAWRGLSTSA[Ala31Val]AHAASRSQAE

ClinVar aggregate classification (germline): Uncertain significance (1 of 4 stars; one submission).

Allele frequency attached by ClinVar (database versions not stated): gnomAD exomes below 0.00001.
gnomAD v4.1: 2 of 1,614,096 alleles (0.00012%); highest among the groups gnomAD compares: Non-Finnish European, 0.00017%; no homozygotes.

Submission:

Labcorp Genetics (formerly Invitae), Labcorp
Classification: Uncertain significance. Last evaluated: 2022-09-13. Review status: criteria provided, single submitter. Criteria: Invitae Variant Classification Sherloc (09022015). Collection method: clinical testing. Allele origin: germline.
Comment: This variant is not present in population databases (gnomAD no frequency). This sequence change replaces alanine, which is neutral and non-polar, with valine, which is neutral and non-polar, at codon 31 of the IDH3B protein (p.Ala31Val). This variant has not been reported in the literature in individuals affected with IDH3B-related conditions. Algorithms developed to predict the effect of missense changes on protein structure and function output the following: SIFT: "Not Available"; PolyPhen-2: "Benign"; Align-GVGD: "Not Available". The valine amino acid residue is found in multiple mammalian species, which suggests that this missense change does not adversely affect protein function. In summary, the available evidence is currently insufficient to determine the role of this variant in disease. Therefore, it has been classified as a Variant of Uncertain Significance.